The following is an entry in ClinVar:

NM_007194.4(CHEK2):c.1442del (p.Ala480_Leu481insTer)

Gene: CHEK2 (checkpoint kinase 2; minus strand). Cytogenetic location: 22q12.1.
Variant type: Deletion.
Coding change: c.1442del on transcript NM_007194.4 (MANE Select); coding-DNA position 1442, one base deleted (T; older notation c.1442delT).
Protein change: p.Ala480_Leu481insTer.
Molecular consequence: nonsense. On other transcripts: frameshift variant (4).
Genome position (GRCh38, 1-based): chr22:28,694,051, A deleted on the plus strand (T on the coding strand, the reverse complement: CHEK2 is on the minus strand); the first of 2 consecutive A bases (chr22:28,694,051-28,694,052); deleting either gives the same sequence. VCF-style (leftmost placement, unchanged base first): chr22-28694050-TA-T. GRCh37 (hg19) VCF-style: chr22-29090038-TA-T.
Other names: c.1570delT, p.Leu524Terfs (NM_001005735.3); c.778delT, p.Leu260Terfs (NM_001257387.3); c.1240delT, p.Leu414Terfs (NM_001349956.3); c.1354delT, p.Leu452Terfs (NM_145862.3).
Identifiers: ClinVar variation 2120069 (VCV002120069.4), dbSNP rs2517786742, ClinGen allele CA2580099369.

ClinVar aggregate classification (germline): Pathogenic (1 of 4 stars; one submission).

Conditions:
Familial cancer of breast. Also called: BREAST CANCER, FAMILIAL; Hereditary breast cancer; hereditary breast carcinoma. Identifiers: Orphanet 227535, MedGen C0346153, MONDO:0016419, OMIM 114480. Disease mechanism: loss of function.

Submission:

Labcorp Genetics (formerly Invitae), Labcorp
Classification: Pathogenic for Familial cancer of breast. Last evaluated: 2022-03-31. Review status: criteria provided, single submitter. Criteria: Invitae Variant Classification Sherloc (09022015). Collection method: clinical testing. Allele origin: germline.
Comment: This variant is not present in population databases (gnomAD no frequency). This sequence change creates a premature translational stop signal (p.Leu481*) in the CHEK2 gene. It is expected to result in an absent or disrupted protein product. Loss-of-function variants in CHEK2 are known to be pathogenic (PMID: 21876083, 24713400). For these reasons, this variant has been classified as Pathogenic. This variant has not been reported in the literature in individuals affected with CHEK2-related conditions.

Literature cited by the submitters: PubMed 21876083; PubMed 24713400.